The following is an entry in ClinVar:

NM_001199138.2(NLRC4):c.1570G>A (p.Ala524Thr)

Gene: NLRC4 (NLR family CARD domain containing 4; minus strand). Cytogenetic location: 2p22.3.
Variant type: single nucleotide variant.
Coding change: c.1570G>A on transcript NM_001199138.2 (MANE Select); coding-DNA position 1570, G replaced by A.
Protein change: p.Ala524Thr; replaces alanine 524 with threonine.
Molecular consequence: missense variant. On other transcripts: intron variant (1).
Genome position (GRCh38, 1-based): chr2:32,250,294, C>T on the plus strand (G>A on the coding strand, the complement: NLRC4 is on the minus strand). VCF-style: chr2-32250294-C-T. GRCh37 (hg19) VCF-style: chr2-32475363-C-T.
Other names: c.1570G>A, p.Ala524Thr (NM_021209.5, NM_001199139.2); c.262+2125G>A (NM_001302504.1); short protein forms A524T.
Identifiers: ClinVar variation 103074 (VCV000103074.6), dbSNP rs199475956, ClinGen allele CA230079.

ClinVar aggregate classification (germline): Uncertain significance. Review status: criteria provided, single submitter (1 of 4 stars). 2 submissions from 2 submitters: Uncertain significance (1). 1 of the submissions does not count toward it. Last evaluated 2025-09-28.

Conditions:
Periodic fever-infantile enterocolitis-autoinflammatory syndrome. Also called: Autoinflammation with infantile enterocolitis. Identifiers: Orphanet 436166, MedGen C4015067, MONDO:0014472, OMIM 616050.
Familial cold autoinflammatory syndrome 4 (FCAS4). Identifiers: Orphanet 47045, Orphanet 576349, MedGen C4015276, MONDO:0014498, OMIM 616115.

Allele frequency attached by ClinVar (database versions not stated): gnomAD exomes 0.00002; ExAC 0.00002; TOPMed 0.00002; gnomAD 0.00003.
gnomAD v4.1: 32 of 1,614,126 alleles (0.002%); highest among the groups gnomAD compares: South Asian, 0.0044%; no homozygotes.

Submissions (2):

Labcorp Genetics (formerly Invitae), Labcorp
Classification: Uncertain significance for Periodic fever-infantile enterocolitis-autoinflammatory syndrome; Familial cold autoinflammatory syndrome 4. Last evaluated: 2025-09-28. Review status: criteria provided, single submitter. Criteria: Invitae Variant Classification Sherloc (09022015). Collection method: clinical testing. Allele origin: germline.
Comment: This sequence change replaces alanine, which is neutral and non-polar, with threonine, which is neutral and polar, at codon 524 of the NLRC4 protein (p.Ala524Thr). This variant is present in population databases (rs199475956, gnomAD 0.004%). This variant has not been reported in the literature in individuals affected with NLRC4-related conditions. ClinVar contains an entry for this variant (Variation ID: 103074). Invitae Evidence Modeling of protein sequence and biophysical properties (such as structural, functional, and spatial information, amino acid conservation, physicochemical variation, residue mobility, and thermodynamic stability) indicates that this missense variant is not expected to disrupt NLRC4 protein function with a negative predictive value of 80%. In summary, the available evidence is currently insufficient to determine the role of this variant in disease. Therefore, it has been classified as a Variant of Uncertain Significance.

Human Evolutionary Genetics, Institut Pasteur
No classification provided. Review status: no classification provided. Collection method: not provided. Allele origin: germline. Not counted in ClinVar's aggregate classification.
ClinVar note: Converted during submission from untested to not provided.